The following is an entry in ClinVar:

NM_003002.4(SDHD):c.181G>T (p.Ala61Ser)

Gene: SDHD (succinate dehydrogenase complex subunit D; plus strand). Cytogenetic location: 11q23.1.
Variant type: single nucleotide variant.
Coding change: c.181G>T on transcript NM_003002.4 (MANE Select); coding-DNA position 181, G replaced by T.
Protein change: p.Ala61Ser; replaces alanine 61 with serine.
Molecular consequence: missense variant. On other transcripts: non-coding transcript variant (1), intron variant (1).
Genome position (GRCh38, 1-based): chr11:112,088,878, G>T. VCF-style: chr11-112088878-G-T. GRCh37 (hg19) VCF-style: chr11-111959602-G-T.
Other names: c.64G>T, p.Ala22Ser (NM_001276504.2); c.181G>T, p.Ala61Ser (NM_001276506.2); c.169+905G>T (NM_001276503.2); short protein forms A61S, A22S.
Identifiers: ClinVar variation 3316920 (VCV003316920.1).
Genomic context (GRCh38, chr11:112,088,878, plus strand): 5'-AGATGTGTGTTTCTCACATCAACTTTTATGAATCTGGTCCTTTTTGTAGCTGGCTCCAAG[G>T]CTGCATCTCTCCACTGGACTAGCGAGAGGGTTGTCAGTGTTTTGCTCCTGGGTCTGCTTC-3'
Protein context (NP_002993.1, residues 51-71): LSPSHHSGSK[Ala61Ser]ASLHWTSERV

ClinVar aggregate classification (germline): Uncertain significance (1 of 4 stars; one submission).

Conditions:
Hereditary cancer-predisposing syndrome. Also called: Neoplastic Syndromes, Hereditary; Tumor predisposition; Hereditary neoplastic syndrome; Hereditary Cancer Syndrome. Identifiers: Orphanet 140162, MedGen C0027672, MeSH D009386, MONDO:0015356.

Submission:

Ambry Genetics
Classification: Uncertain significance for Hereditary cancer-predisposing syndrome. Last evaluated: 2024-06-21. Review status: criteria provided, single submitter. Criteria: Ambry Variant Classification Scheme 2023. Collection method: clinical testing. Allele origin: germline.
Comment: The p.A61S variant (also known as c.181G>T), located in coding exon 3 of the SDHD gene, results from a G to T substitution at nucleotide position 181. The alanine at codon 61 is replaced by serine, an amino acid with similar properties. This amino acid position is conserved. In addition, the in silico prediction for this alteration is inconclusive. Based on the available evidence, the clinical significance of this variant remains unclear.